The following is an entry in ClinVar:

NM_019109.5(ALG1):c.1325G>A (p.Arg442Gln)

Genes: ALG1 (ALG1 chitobiosyldiphosphodolichol beta-mannosyltransferase; plus strand), EEF2KMT (eukaryotic elongation factor 2 lysine methyltransferase; minus strand). Cytogenetic location: 16p13.3.
Variant type: single nucleotide variant.
Coding change: c.1325G>A on transcript NM_019109.5 (MANE Select); coding-DNA position 1325, G replaced by A.
Protein change: p.Arg442Gln; replaces arginine 442 with glutamine.
Molecular consequence: missense variant. On other transcripts: 3 prime UTR variant (3).
Genome position (GRCh38, 1-based): chr16:5,084,811, G>A. VCF-style: chr16-5084811-G-A. GRCh37 (hg19) VCF-style: chr16-5134812-G-A.
Other names: c.*821C>T (NM_001289029.2, NM_201400.4, NM_201598.4); c.992G>A, p.Arg331Gln (NM_001330504.2); short protein forms R442Q, R331Q.
Identifiers: ClinVar variation 1436490 (VCV001436490.7), dbSNP rs758197753, ClinGen allele CA7890337.

ClinVar aggregate classification (germline): Uncertain significance. Review status: criteria provided, multiple submitters, no conflicts (2 of 4 stars). 2 submissions from 2 submitters: Uncertain significance (2). Last evaluated 2023-10-17.

Conditions:
ALG1-congenital disorder of glycosylation. Also called: CONGENITAL DISORDER OF GLYCOSYLATION, TYPE Ik; CDG Ik; ALG1-CDG. Identifiers: Orphanet 79327, MedGen C2931005, MONDO:0012052, OMIM 608540.

Allele frequency attached by ClinVar (database versions not stated): gnomAD exomes below 0.00001; ExAC 0.00001.
gnomAD v4.1: 4 of 1,596,456 alleles (0.00025%); highest among the groups gnomAD compares: Middle Eastern, 0.023%; no homozygotes.

Submissions (2):

Labcorp Genetics (formerly Invitae), Labcorp
Classification: Uncertain significance for ALG1-congenital disorder of glycosylation. Last evaluated: 2023-10-17. Review status: criteria provided, single submitter. Criteria: Invitae Variant Classification Sherloc (09022015). Collection method: clinical testing. Allele origin: germline.
Comment: This sequence change replaces arginine, which is basic and polar, with glutamine, which is neutral and polar, at codon 442 of the ALG1 protein (p.Arg442Gln). The frequency data for this variant in the population databases is considered unreliable, as metrics indicate poor data quality at this position in the gnomAD database. This variant has not been reported in the literature in individuals affected with ALG1-related conditions. ClinVar contains an entry for this variant (Variation ID: 1436490). Advanced modeling of protein sequence and biophysical properties (such as structural, functional, and spatial information, amino acid conservation, physicochemical variation, residue mobility, and thermodynamic stability) performed at Invitae indicates that this missense variant is not expected to disrupt ALG1 protein function. In summary, the available evidence is currently insufficient to determine the role of this variant in disease. Therefore, it has been classified as a Variant of Uncertain Significance.

Fulgent Genetics
Classification: Uncertain significance for ALG1-congenital disorder of glycosylation. Last evaluated: 2021-11-13. Review status: criteria provided, single submitter. Criteria: ACMG Guidelines, 2015. Collection method: clinical testing. Allele origin: unknown.